The following is an entry in ClinVar:

NM_001127453.2(GSDME):c.83_84del (p.Asp27_Ser28insTer)

Gene: GSDME (gasdermin E; minus strand). Cytogenetic location: 7p15.3.
Variant type: Microsatellite.
Coding change: c.83_84del on transcript NM_001127453.2 (MANE Select); coding-DNA positions 83 to 84, 2 bases deleted (CT; older notation c.83_84delCT).
Protein change: p.Asp27_Ser28insTer.
Molecular consequence: nonsense. On other transcripts: intron variant (1).
Genome position (GRCh38, 1-based): chr7:24,749,691-24,749,692, AG deleted on the plus strand (CT on the coding strand, the reverse complement: GSDME is on the minus strand); deleting any 2 consecutive bases within chr7:24,749,691-24,749,694 gives the same sequence; the c. name uses the placement nearest the transcript's 3' end. VCF-style (leftmost placement, unchanged base first): chr7-24749690-CAG-C. GRCh37 (hg19) VCF-style: chr7-24789309-CAG-C.
Other names: c.83_84del, p.Asp27_Ser28insTer (NM_004403.3); c.-281-4938_-281-4937del (NM_001127454.2).
Identifiers: ClinVar variation 3360173 (VCV003360173.1).

ClinVar aggregate classification (germline): Uncertain significance (1 of 4 stars; one submission).

Submission:

GeneDx
Classification: Uncertain significance. Last evaluated: 2023-06-26. Review status: criteria provided, single submitter. Criteria: GeneDx Variant Classification Process June 2021. Collection method: clinical testing. Allele origin: germline. Affected: yes.
Comment: Nonsense variant predicted to result in protein truncation or nonsense mediated decay in a gene or region of a gene for which loss of function is not a well-established mechanism of disease; Not observed at significant frequency in large population cohorts (gnomAD); Has not been previously published as pathogenic or benign to our knowledge